The following is an entry in ClinVar:

NM_006231.4(POLE):c.5695A>G (p.Thr1899Ala)

Gene: POLE (DNA polymerase epsilon, catalytic subunit; minus strand). Cytogenetic location: 12q24.33.
Variant type: single nucleotide variant.
Coding change: c.5695A>G on transcript NM_006231.4 (MANE Select); coding-DNA position 5695, A replaced by G.
Protein change: p.Thr1899Ala; replaces threonine 1899 with alanine.
Molecular consequence: missense variant.
Genome position (GRCh38, 1-based): chr12:132,636,008, T>C on the plus strand (A>G on the coding strand, the complement: POLE is on the minus strand). VCF-style: chr12-132636008-T-C. GRCh37 (hg19) VCF-style: chr12-133212594-T-C.
Other names: short protein forms T1899A.
Identifiers: ClinVar variation 1749105 (VCV001749105.2), dbSNP rs886313621, ClinGen allele CA246297076.

ClinVar aggregate classification (germline): Uncertain significance (1 of 4 stars; one submission).

Conditions:
Hereditary cancer-predisposing syndrome. Also called: Hereditary Cancer Syndrome; Hereditary neoplastic syndrome; Neoplastic Syndromes, Hereditary; Tumor predisposition. Identifiers: Orphanet 140162, MedGen C0027672, MeSH D009386, MONDO:0015356.

Allele frequency attached by ClinVar (database versions not stated): TOPMed below 0.00001.

Submission:

Ambry Genetics
Classification: Uncertain significance for Hereditary cancer-predisposing syndrome. Last evaluated: 2022-06-02. Review status: criteria provided, single submitter. Criteria: Ambry Variant Classification Scheme 2023. Collection method: clinical testing. Allele origin: germline.
Comment: The p.T1899A variant (also known as c.5695A>G), located in coding exon 42 of the POLE gene, results from an A to G substitution at nucleotide position 5695. The threonine at codon 1899 is replaced by alanine, an amino acid with similar properties. This amino acid position is conserved. In addition, this alteration is predicted to be tolerated by in silico analysis. Since supporting evidence is limited at this time, the clinical significance of this alteration remains unclear.